The following is an entry in ClinVar:

NM_015909.4(NBAS):c.2735T>C (p.Ile912Thr)

Gene: NBAS (NBAS subunit of NRZ tethering complex; minus strand). Cytogenetic location: 2p24.3.
Variant type: single nucleotide variant.
Coding change: c.2735T>C on transcript NM_015909.4 (MANE Select); coding-DNA position 2735, T replaced by C.
Protein change: p.Ile912Thr; replaces isoleucine 912 with threonine.
Molecular consequence: missense variant. On other transcripts: non-coding transcript variant (1).
Genome position (GRCh38, 1-based): chr2:15,417,555, A>G on the plus strand (T>C on the coding strand, the complement: NBAS is on the minus strand). VCF-style: chr2-15417555-A-G. GRCh37 (hg19) VCF-style: chr2-15557679-A-G.
Other names: short protein forms I912T.
Identifiers: ClinVar variation 1371557 (VCV001371557.6), dbSNP rs751853971, ClinGen allele CA1536277.

ClinVar aggregate classification (germline): Uncertain significance (1 of 4 stars; one submission).

Allele frequency attached by ClinVar (database versions not stated): gnomAD exomes below 0.00001; ExAC 0.00001; gnomAD 0.00001; TOPMed 0.00001; 1000 Genomes Project 30x 0.00016.
gnomAD v4.1: 5 of 1,613,824 alleles (0.00031%); highest among the groups gnomAD compares: Admixed American, 0.0033%; no homozygotes.

Submission:

Labcorp Genetics (formerly Invitae), Labcorp
Classification: Uncertain significance. Last evaluated: 2022-11-01. Review status: criteria provided, single submitter. Criteria: Invitae Variant Classification Sherloc (09022015). Collection method: clinical testing. Allele origin: germline.
Comment: Advanced modeling of protein sequence and biophysical properties (such as structural, functional, and spatial information, amino acid conservation, physicochemical variation, residue mobility, and thermodynamic stability) performed at Invitae indicates that this missense variant is not expected to disrupt NBAS protein function. This sequence change replaces isoleucine, which is neutral and non-polar, with threonine, which is neutral and polar, at codon 912 of the NBAS protein (p.Ile912Thr). This variant is present in population databases (rs751853971, gnomAD 0.0009%). This variant has not been reported in the literature in individuals affected with NBAS-related conditions. ClinVar contains an entry for this variant (Variation ID: 1371557). In summary, the available evidence is currently insufficient to determine the role of this variant in disease. Therefore, it has been classified as a Variant of Uncertain Significance.